The following is an entry in ClinVar:

NM_173596.3(SLC39A5):c.902T>C (p.Leu301Pro)

Gene: SLC39A5 (solute carrier family 39 member 5; plus strand). Cytogenetic location: 12q13.3.
Variant type: single nucleotide variant.
Coding change: c.902T>C on transcript NM_173596.3 (MANE Select); coding-DNA position 902, T replaced by C.
Protein change: p.Leu301Pro; replaces leucine 301 with proline.
Molecular consequence: missense variant.
Genome position (GRCh38, 1-based): chr12:56,235,657, T>C. VCF-style: chr12-56235657-T-C. GRCh37 (hg19) VCF-style: chr12-56629441-T-C.
Other names: c.902T>C, p.Leu301Pro (NM_001135195.2); short protein forms L301P.
Identifiers: ClinVar variation 2502600 (VCV002502600.1), dbSNP rs2547137716, ClinGen allele CA385301992.
Genomic context (GRCh38, chr12:56,235,657, plus strand): 5'-CAGAGAAGGACCTGGGCCCGGGGCTGTCAGTGCTCGGAGGCCTCTTCCTGCTCTTTGTGC[T>C]GGAGAACATGCTGGGGCTTTTGCGGCACCGAGGGCTCAGGCCAGTGAGTGATACCCTTTT-3'
Protein context (NP_775867.2, residues 291-311): VLGGLFLLFV[Leu301Pro]ENMLGLLRHR

ClinVar aggregate classification (germline): Uncertain significance (1 of 4 stars; one submission).

Submission:

GeneDx
Classification: Uncertain significance. Last evaluated: 2022-11-17. Review status: criteria provided, single submitter. Criteria: GeneDx Variant Classification Process June 2021. Collection method: clinical testing. Allele origin: germline. Affected: yes.
Comment: Not observed at significant frequency in large population cohorts (gnomAD); In silico analysis supports that this missense variant has a deleterious effect on protein structure/function; Has not been previously published as pathogenic or benign to our knowledge